The following is an entry in ClinVar:

ClinVar aggregate classification (germline): Benign/Likely benign. Review status: criteria provided, multiple submitters, no conflicts (2 of 4 stars). 7 submissions from 7 submitters: Benign (5); Likely benign (2). Last evaluated 2026-02-02.

Conditions:
Ehlers-Danlos syndrome, classic type, 1 (EDSCL1). Also called: EHLERS-DANLOS SYNDROME, GRAVIS TYPE; EHLERS-DANLOS SYNDROME, SEVERE CLASSIC TYPE; Ehlers-Danlos syndrome, type 1; Ehlers-Danlos Syndrome, Classic Type, COL5A1-Related; EDS I. Identifiers: MedGen C0268335, MONDO:0019567, OMIM 130000.
Familial thoracic aortic aneurysm and aortic dissection (TAAD). Also called: Thoracic aortic aneurysms and dissections. Identifiers: Orphanet 91387, MedGen C4707243, MONDO:0019625.

Allele frequency attached by ClinVar (database versions not stated): gnomAD exomes 0.00022 and 0.00051; ExAC 0.00066; gnomAD 0.00209 and 0.00221; ESP Exome Variant Server 0.00215; TOPMed 0.00235; 1000 Genomes Project 0.00240; 1000 Genomes Project 30x 0.00265.
gnomAD v4.1: 642 of 1,613,782 alleles (0.04%); highest among the groups gnomAD compares: African/African-American, 0.75%; 1 homozygote.

Submissions (7):

Labcorp Genetics (formerly Invitae), Labcorp
Classification: Benign for Ehlers-Danlos syndrome, classic type, 1. Last evaluated: 2026-02-02. Review status: criteria provided, single submitter. Criteria: Invitae Variant Classification Sherloc (09022015). Collection method: clinical testing. Allele origin: germline.

Molecular Diagnostic Laboratory for Inherited Cardiovascular Disease, Montreal Heart Institute
Classification: Benign. Last evaluated: 2025-04-09. Review status: criteria provided, single submitter. Criteria: ACMG Guidelines, 2015. Collection method: clinical testing. Allele origin: germline. Affected: no.

Women's Health and Genetics/Laboratory Corporation of America, LabCorp
Classification: Benign. Last evaluated: 2024-12-30. Review status: criteria provided, single submitter. Criteria: LabCorp Variant Classification Summary - May 2015. Collection method: clinical testing. Allele origin: germline.

Blueprint Genetics
Classification: Likely benign. Last evaluated: 2024-11-06. Review status: criteria provided, single submitter. Criteria: ACMG Guidelines, 2015. Collection method: clinical testing. Allele origin: germline.

Mayo Clinic Laboratories, Mayo Clinic
Classification: Benign. Last evaluated: 2021-05-20. Review status: criteria provided, single submitter. Criteria: ACMG Guidelines, 2015. Collection method: clinical testing. Allele origin: germline. Observed: 5 variant alleles.

Ambry Genetics
Classification: Likely benign for Familial thoracic aortic aneurysm and aortic dissection. Last evaluated: 2015-12-04. Review status: criteria provided, single submitter. Criteria: Ambry Variant Classification Scheme 2023. Collection method: clinical testing. Allele origin: germline.

GeneDx
Classification: Benign. Last evaluated: 2015-05-05. Review status: criteria provided, single submitter. Criteria: GeneDx Variant Classification (06012015). Collection method: clinical testing. Allele origin: germline. Affected: yes.
Comment: This variant is considered likely benign or benign based on one or more of the following criteria: it is a conservative change, it occurs at a poorly conserved position in the protein, it is predicted to be benign by multiple in silico algorithms, and/or has population frequency not consistent with disease.

NM_000393.5(COL5A2):c.4197G>A (p.Gln1399=)

Gene: COL5A2 (collagen type V alpha 2 chain; minus strand). Cytogenetic location: 2q32.2.
Variant type: single nucleotide variant.
Coding change: c.4197G>A on transcript NM_000393.5 (MANE Select); coding-DNA position 4197, G replaced by A.
Protein change: p.Gln1399=; no amino-acid change (glutamine 1399 retained).
Molecular consequence: synonymous variant.
Genome position (GRCh38, 1-based): chr2:189,035,072, C>T on the plus strand (G>A on the coding strand, the complement: COL5A2 is on the minus strand). VCF-style: chr2-189035072-C-T. GRCh37 (hg19) VCF-style: chr2-189899798-C-T.
Other names: p.Q1399Q:CAG>CAA; p.Gln1399=; c.4197G>A (NM_000393.4).
Identifiers: ClinVar variation 213085 (VCV000213085.20), dbSNP rs78870279, ClinGen allele CA323946.